The following is an entry in ClinVar:

NM_020928.2(ZSWIM6):c.31G>A (p.Ala11Thr)

Gene: ZSWIM6 (zinc finger SWIM-type containing 6; plus strand). Cytogenetic location: 5q12.1.
Variant type: single nucleotide variant.
Coding change: c.31G>A on transcript NM_020928.2 (MANE Select); coding-DNA position 31, G replaced by A.
Protein change: p.Ala11Thr; replaces alanine 11 with threonine.
Molecular consequence: missense variant.
Genome position (GRCh38, 1-based): chr5:61,332,303, G>A. VCF-style: chr5-61332303-G-A. GRCh37 (hg19) VCF-style: chr5-60628130-G-A.
Other names: short protein forms A11T.
Identifiers: ClinVar variation 1489110 (VCV001489110.9), dbSNP rs1038709799, ClinGen allele CA119631606.

ClinVar aggregate classification (germline): Uncertain significance. Review status: criteria provided, multiple submitters, no conflicts (2 of 4 stars). 2 submissions from 2 submitters: Uncertain significance (2). Last evaluated 2022-10-13.

Conditions:
Acromelic frontonasal dysostosis (AFND). Identifiers: Orphanet 1827, MedGen C1863616, MONDO:0011359, OMIM 603671.

Allele frequency attached by ClinVar (database versions not stated): gnomAD exomes below 0.00001; gnomAD 0.00005 and 0.00006; TOPMed 0.00009.
gnomAD v4.1: 13 of 1,167,408 alleles (0.0011%); highest among the groups gnomAD compares: African/African-American, 0.018%; no homozygotes.

Submissions (2):

Laboratorio de Genetica e Diagnostico Molecular, Hospital Israelita Albert Einstein
Classification: Uncertain significance for Acromelic frontonasal dysostosis. Last evaluated: 2022-10-13. Review status: criteria provided, single submitter. Criteria: ACMG Guidelines, 2015. Collection method: clinical testing. Allele origin: germline. Affected: yes.
Comment: ACMG classification criteria: PM2 moderated, BP4 supporting

Labcorp Genetics (formerly Invitae), Labcorp
Classification: Uncertain significance. Last evaluated: 2021-03-20. Review status: criteria provided, single submitter. Criteria: Invitae Variant Classification Sherloc (09022015). Collection method: clinical testing. Allele origin: germline.
Comment: In summary, the available evidence is currently insufficient to determine the role of this variant in disease. Therefore, it has been classified as a Variant of Uncertain Significance. Algorithms developed to predict the effect of missense changes on protein structure and function are either unavailable or do not agree on the potential impact of this missense change (SIFT: "Tolerated"; PolyPhen-2: "Not Available"; Align-GVGD: "Class C0"). This variant has not been reported in the literature in individuals with ZSWIM6-related conditions. The frequency data for this variant in the population databases is considered unreliable, as metrics indicate insufficient coverage at this position in the ExAC database. This sequence change replaces alanine with threonine at codon 11 of the ZSWIM6 protein (p.Ala11Thr). The alanine residue is weakly conserved and there is a small physicochemical difference between alanine and threonine.